The following is an entry in ClinVar:

ClinVar aggregate classification (germline): Likely benign (1 of 4 stars; one submission).

Conditions:
Lynch syndrome 4 (LYNCH4). Also called: Colorectal cancer, hereditary nonpolyposis, type 4; Hereditary non-polyposis colorectal cancer, type 4. Identifiers: Orphanet 144, MedGen C1838333, MONDO:0013699, OMIM 614337. Disease mechanism: loss of function.

Submission:

Myriad Genetics, Inc.
Classification: Likely benign for Lynch syndrome 4. Last evaluated: 2025-01-24. Review status: criteria provided, single submitter. Criteria: Myriad Autosomal Dominant, Autosomal Recessive and X-Linked Classification Criteria (2023). Collection method: clinical testing. Allele origin: unknown.
Comment: This variant is considered likely benign. This variant is intronic and is not expected to impact mRNA splicing.

NM_000535.7(PMS2):c.251-4T>C

Gene: PMS2 (PMS1 homolog 2, mismatch repair system component; minus strand). Cytogenetic location: 7p22.1.
Variant type: single nucleotide variant.
Coding change: c.251-4T>C on transcript NM_000535.7 (MANE Select); 4 bases into the intron before coding-DNA position 251, T replaced by C.
Molecular consequence: intron variant. On other transcripts: missense variant (1).
Genome position (GRCh38, 1-based): chr7:6,003,796, A>G on the plus strand (T>C on the coding strand, the complement: PMS2 is on the minus strand). VCF-style: chr7-6003796-A-G. GRCh37 (hg19) VCF-style: chr7-6043427-A-G.
Other names: c.271T>C, p.Ser91Pro (NM_001406868.1); c.35+176T>C (NM_001322008.2, NM_001406902.1, NM_001406883.1 and 4 more transcripts); c.-132+176T>C (NM_001406881.1, NM_001406900.1); c.-102-4T>C (NM_001406895.1, NM_001406904.1, NM_001406889.1 and 6 more transcripts); c.-155-4T>C (NM_001406911.1, NM_001322010.2, NM_001322004.2 and 13 more transcripts); c.-234-4T>C (NM_001406879.1, NM_001322015.2, NM_001406878.1 and 3 more transcripts); c.-634-4T>C (NM_001322012.2, NM_001322011.2); c.-52-1160T>C (NM_001406896.1); and 5 more; short protein forms S91P.
Identifiers: ClinVar variation 3903824 (VCV003903824.1).